The following is an entry in ClinVar:

ClinVar aggregate classification (germline): Likely benign. Review status: criteria provided, multiple submitters, no conflicts (2 of 4 stars). 4 submissions from 4 submitters: Likely benign (2). 2 of the submissions do not count toward it. Last evaluated 2025-11-25.

Conditions:
Joubert syndrome. Also called: Familial aplasia of the vermis; JOUBERT-BOLTSHAUSER SYNDROME. Identifiers: Orphanet 475, MedGen C5979921, MONDO:0018772.
Nephronophthisis. Also called: Juvenile Nephronophthisis. Identifiers: Orphanet 655, MedGen C0687120, MONDO:0019005, HP:0000090.
Meckel-Gruber syndrome. Also called: DYSENCEPHALIA SPLANCHNOCYSTICA; GRUBER SYNDROME; Dysencephalia splachnocystica. Identifiers: Orphanet 564, MedGen C0265215, MONDO:0018921.
CEP290-related disorder. Also called: CEP290-related disorders; CEP290-related condition. Identifiers: MedGen CN239314.
Leber congenital amaurosis (LCA). Also called: Leber's amaurosis. Identifiers: Orphanet 65, MedGen C0339527, MeSH D057130, MONDO:0018998.

Allele frequency attached by ClinVar (database versions not stated): TOPMed 0.00004; gnomAD 0.00006 and 0.00007; gnomAD exomes 0.00008.
gnomAD v4.1: 123 of 1,545,218 alleles (0.008%); highest among the groups gnomAD compares: Non-Finnish European, 0.01%; no homozygotes.

Submissions (4):

Labcorp Genetics (formerly Invitae), Labcorp
Classification: Likely benign for Joubert syndrome; Meckel-Gruber syndrome; Nephronophthisis. Last evaluated: 2025-11-25. Review status: criteria provided, single submitter. Criteria: Invitae Variant Classification Sherloc (09022015). Collection method: clinical testing. Allele origin: germline.

Blueprint Genetics
Classification: Likely benign. Last evaluated: 2024-11-06. Review status: criteria provided, single submitter. Criteria: ACMG Guidelines, 2015. Collection method: clinical testing. Allele origin: germline.

PreventionGenetics, part of Exact Sciences
Classification: Likely benign for CEP290-related condition. Last evaluated: 2023-08-07. Review status: no assertion criteria provided. Collection method: clinical testing. Allele origin: germline. Not counted in ClinVar's aggregate classification.
Comment: This variant is classified as likely benign based on ACMG/AMP sequence variant interpretation guidelines (Richards et al. 2015 PMID: 25741868, with internal and published modifications).

Natera, Inc.
Classification: Uncertain significance for Leber congenital amaurosis. Last evaluated: 2020-04-17. Review status: no assertion criteria provided. Collection method: clinical testing. Allele origin: germline. Not counted in ClinVar's aggregate classification.

NM_025114.4(CEP290):c.3564A>G (p.Leu1188=)

Gene: CEP290 (centrosomal protein 290; minus strand). Cytogenetic location: 12q21.32.
Variant type: single nucleotide variant.
Coding change: c.3564A>G on transcript NM_025114.4 (MANE Select); coding-DNA position 3564, A replaced by G.
Protein change: p.Leu1188=; no amino-acid change (leucine 1188 retained).
Molecular consequence: synonymous variant.
Genome position (GRCh38, 1-based): chr12:88,090,737, T>C on the plus strand (A>G on the coding strand, the complement: CEP290 is on the minus strand). VCF-style: chr12-88090737-T-C. GRCh37 (hg19) VCF-style: chr12-88484514-T-C.
Identifiers: ClinVar variation 695227 (VCV000695227.15), dbSNP rs900618917, ClinGen allele CA241165889.